The following is an entry in ClinVar:

NM_001323289.2(CDKL5):c.561C>T (p.Pro187=)

Gene: CDKL5 (cyclin dependent kinase like 5; plus strand). Cytogenetic location: Xp22.13.
Variant type: single nucleotide variant.
Coding change: c.561C>T on transcript NM_001323289.2 (MANE Select); coding-DNA position 561, C replaced by T.
Protein change: p.Pro187=; no amino-acid change (proline 187 retained).
Molecular consequence: synonymous variant.
Genome position (GRCh38, 1-based): chrX:18,587,960, C>T. VCF-style: chrX-18587960-C-T. GRCh37 (hg19) VCF-style: chrX-18606080-C-T.
Other names: c.561C>T, p.Pro187= (NM_001037343.2, NM_003159.3).
Identifiers: ClinVar variation 4851357 (VCV004851357.1).

ClinVar aggregate classification (germline): Uncertain significance (1 of 4 stars; one submission).

Conditions:
Developmental and epileptic encephalopathy, 2 (DEE2). Also called: INFANTILE SPASM SYNDROME, X-LINKED 2; CDKL5 deficiency disorder. Identifiers: Orphanet 1934, Orphanet 3451, Orphanet 505652, MedGen C4750718, MONDO:0010396, OMIM 300672.

gnomAD v4.1: 1 of 1,209,352 alleles (0.000083%); highest among the groups gnomAD compares: Middle Eastern, 0.023%; no homozygotes.

Submission:

Laboratory Cellgenetics, GMDL Cellgenetics
Classification: Uncertain significance for Developmental and epileptic encephalopathy, 2. Last evaluated: 2024-02-06. Review status: criteria provided, single submitter. Criteria: ACMG Guidelines, 2015. Collection method: clinical testing. Allele origin: maternal. Inheritance: X-linked inheritance. Affected: yes. Observed: 1 variant allele, 1 hemizygote.
Comment: PM2, BP7